The following is an entry in ClinVar:

ClinVar aggregate classification (germline): Likely benign (1 of 4 stars; one submission).

gnomAD v4.1: 13,173 of 1,535,282 alleles (0.86%); highest among the groups gnomAD compares: Middle Eastern, 0.93%; 90 homozygotes.

Submission:

CeGaT Center for Human Genetics Tuebingen
Classification: Likely benign. Last evaluated: 2025-06-01. Review status: criteria provided, single submitter. Criteria: CeGaT Center For Human Genetics Tuebingen Variant Classification Criteria Version 2. Collection method: clinical testing. Allele origin: germline. Affected: yes. Observed: 1 variant allele.
Comment: MUC22: BP4, BS2

NM_001395414.1(MUC22):c.3944C>A (p.Thr1315Lys)

Gene: MUC22 (mucin 22; plus strand). Cytogenetic location: 6p21.33.
Variant type: single nucleotide variant.
Coding change: c.3944C>A on transcript NM_001395414.1 (MANE Select); coding-DNA position 3944, C replaced by A.
Protein change: p.Thr1315Lys; replaces threonine 1315 with lysine.
Molecular consequence: missense variant.
Genome position (GRCh38, 1-based): chr6:31,029,375, C>A. VCF-style: chr6-31029375-C-A. GRCh37 (hg19) VCF-style: chr6-30997152-C-A.
Other names: c.3944C>A, p.Thr1315Lys (NM_001198815.1); c.3953C>A, p.Thr1318Lys (NM_001318484.1); short protein forms T1315K, T1318K.
Identifiers: ClinVar variation 4083583 (VCV004083583.8).